The following is an entry in ClinVar:

NM_133510.4(RAD51B):c.869G>A (p.Ser290Asn)

Gene: RAD51B (RAD51 paralog B; plus strand). Cytogenetic location: 14q24.1.
Variant type: single nucleotide variant.
Coding change: c.869G>A on transcript NM_133510.4 (MANE Select); coding-DNA position 869, G replaced by A.
Protein change: p.Ser290Asn; replaces serine 290 with asparagine.
Molecular consequence: missense variant.
Genome position (GRCh38, 1-based): chr14:68,411,439, G>A. VCF-style: chr14-68411439-G-A. GRCh37 (hg19) VCF-style: chr14-68878156-G-A.
Other names: c.869G>A, p.Ser290Asn (NM_001321809.2, NM_001321810.2, NM_001321812.1 and 6 more transcripts); c.755G>A, p.Ser252Asn (NM_001321815.1); c.512G>A, p.Ser171Asn (NM_001321817.2); short protein forms S252N, S290N, S171N.
Identifiers: ClinVar variation 3786440 (VCV003786440.1).

ClinVar aggregate classification (germline): Uncertain significance (1 of 4 stars; one submission).

gnomAD v4.1: 9 of 1,613,986 alleles (0.00056%); highest among the groups gnomAD compares: African/African-American, 0.0013%; no homozygotes.

Submission:

Ambry Genetics
Classification: Uncertain significance. Last evaluated: 2025-02-01. Review status: criteria provided, single submitter. Criteria: Ambry Variant Classification Scheme 2023. Collection method: clinical testing. Allele origin: germline.
Comment: The p.S290N variant (also known as c.869G>A), located in coding exon 8 of the RAD51B gene, results from a G to A substitution at nucleotide position 869. The serine at codon 290 is replaced by asparagine, an amino acid with highly similar properties. This amino acid position is conserved. In addition, this alteration is predicted to be tolerated by in silico analysis. Based on the available evidence, the clinical significance of this variant remains unclear.